The following is an entry in ClinVar:

ClinVar aggregate classification (germline): Benign. Review status: criteria provided, multiple submitters, no conflicts (2 of 4 stars). 3 submissions from 3 submitters: Benign (3). Last evaluated 2026-02-02.

Allele frequency attached by ClinVar (database versions not stated): gnomAD exomes 0.16156 and 0.16867; ESP Exome Variant Server 0.19706; gnomAD 0.19281 and 0.19742; TOPMed 0.20606; 1000 Genomes Project 0.17252; ExAC 0.16490; 1000 Genomes Project 30x 0.17536.
gnomAD v4.1: 265,486 of 1,614,020 alleles (16%); highest among the groups gnomAD compares: African/African-American, 29%; 23,829 homozygotes.

Submissions (3):

Labcorp Genetics (formerly Invitae), Labcorp
Classification: Benign. Last evaluated: 2026-02-02. Review status: criteria provided, single submitter. Criteria: Invitae Variant Classification Sherloc (09022015). Collection method: clinical testing. Allele origin: germline.

GeneDx
Classification: Benign. Last evaluated: 2018-11-08. Review status: criteria provided, single submitter. Criteria: GeneDx Variant Classification Process June 2021. Collection method: clinical testing. Allele origin: germline. Affected: yes.
Comment: This variant is associated with the following publications: (PMID: 22415012)

Breakthrough Genomics
Classification: Benign. Review status: criteria provided, single submitter. Criteria: ACMG Guidelines, 2015. Collection method: not provided. Allele origin: germline. Inheritance: Unknown mechanism. Affected: yes.

NM_019885.4(CYP26B1):c.791T>C (p.Leu264Ser)

Gene: CYP26B1 (cytochrome P450 family 26 subfamily B member 1; minus strand). Cytogenetic location: 2p13.2.
Variant type: single nucleotide variant.
Coding change: c.791T>C on transcript NM_019885.4 (MANE Select); coding-DNA position 791, T replaced by C.
Protein change: p.Leu264Ser; replaces leucine 264 with serine.
Molecular consequence: missense variant.
Genome position (GRCh38, 1-based): chr2:72,134,831, A>G on the plus strand (T>C on the coding strand, the complement: CYP26B1 is on the minus strand). VCF-style: chr2-72134831-A-G. GRCh37 (hg19) VCF-style: chr2-72361960-A-G.
Other names: c.566T>C, p.Leu189Ser (NM_001277742.2); short protein forms L189S, L264S.
Identifiers: ClinVar variation 1180923 (VCV001180923.11), dbSNP rs2241057, ClinGen allele CA1707951.
Genomic context (GRCh38, chr2:72,134,831, plus strand): 5'-TGCATGGTCATCTCCTTCCCGTGCTCCTTGCTGCTCTCAATGAGGAGGTCCAGGGCGTCC[A>G]AGTAGTCCTTGCCCTGTGTGCACTGCAGCTTCTCCCGGATGGCCTTCTCCAGCCCCTTCT-3'
Protein context (NP_063938.1, residues 254-274): KLQCTQGKDY[Leu264Ser]DALDLLIESS